The following is an entry in ClinVar:

NM_001205293.3(CACNA1E):c.3056T>G (p.Val1019Gly)

Gene: CACNA1E (calcium voltage-gated channel subunit alpha1 E; plus strand). Cytogenetic location: 1q25.3.
Variant type: single nucleotide variant.
Coding change: c.3056T>G on transcript NM_001205293.3 (MANE Select); coding-DNA position 3056, T replaced by G.
Protein change: p.Val1019Gly; replaces valine 1019 with glycine.
Molecular consequence: missense variant.
Genome position (GRCh38, 1-based): chr1:181,733,544, T>G. VCF-style: chr1-181733544-T-G. GRCh37 (hg19) VCF-style: chr1-181702680-T-G.
Other names: c.3056T>G, p.Val1019Gly (NM_000721.4); c.2999T>G, p.Val1000Gly (NM_001205294.2); short protein forms V1000G, V1019G.
Identifiers: ClinVar variation 2747934 (VCV002747934.3), dbSNP rs2528711743, ClinGen allele CA343620793.
Genomic context (GRCh38, chr1:181,733,544, plus strand): 5'-TTGATGAGGCTGACACCCCCCTAGTCCTGCCCCATCCTGAGCTGGAAGTGGGGAAGCACG[T>G]GGTGCTGACGGAGCAGGAGCCAGAAGGCAGCAGTGAGCAGGCCCTGCTGGGGAATGTGCA-3'
Protein context (NP_001192222.1, residues 1009-1029): PHPELEVGKH[Val1019Gly]VLTEQEPEGS

ClinVar aggregate classification (germline): Uncertain significance (1 of 4 stars; one submission).

Submission:

Labcorp Genetics (formerly Invitae), Labcorp
Classification: Uncertain significance. Last evaluated: 2024-03-04. Review status: criteria provided, single submitter. Criteria: Invitae Variant Classification Sherloc (09022015). Collection method: clinical testing. Allele origin: germline.
Comment: This sequence change replaces valine, which is neutral and non-polar, with glycine, which is neutral and non-polar, at codon 1019 of the CACNA1E protein (p.Val1019Gly). This variant is not present in population databases (gnomAD no frequency). This variant has not been reported in the literature in individuals affected with CACNA1E-related conditions. Advanced modeling of protein sequence and biophysical properties (such as structural, functional, and spatial information, amino acid conservation, physicochemical variation, residue mobility, and thermodynamic stability) performed at Invitae indicates that this missense variant is not expected to disrupt CACNA1E protein function with a negative predictive value of 95%. In summary, the available evidence is currently insufficient to determine the role of this variant in disease. Therefore, it has been classified as a Variant of Uncertain Significance.